The following is an entry in ClinVar:

ClinVar aggregate classification (germline): Uncertain significance (1 of 4 stars; one submission).

Conditions:
Chédiak-Higashi syndrome (CHS). Also called: Chediak-Higashi Syndrome. Identifiers: Orphanet 167, MedGen C0007965, MONDO:0008963, OMIM 214500.

gnomAD v4.1: 1 of 1,613,890 alleles (0.000062%); highest among the groups gnomAD compares: South Asian, 0.0011%; no homozygotes.

Submission:

Labcorp Genetics (formerly Invitae), Labcorp
Classification: Uncertain significance for Chédiak-Higashi syndrome. Last evaluated: 2022-07-25. Review status: criteria provided, single submitter. Criteria: Invitae Variant Classification Sherloc (09022015). Collection method: clinical testing. Allele origin: germline.
Comment: In summary, the available evidence is currently insufficient to determine the role of this variant in disease. Therefore, it has been classified as a Variant of Uncertain Significance. Algorithms developed to predict the effect of missense changes on protein structure and function (SIFT, PolyPhen-2, Align-GVGD) all suggest that this variant is likely to be tolerated. This variant has not been reported in the literature in individuals affected with LYST-related conditions. This variant is not present in population databases (gnomAD no frequency). This sequence change replaces isoleucine, which is neutral and non-polar, with leucine, which is neutral and non-polar, at codon 1048 of the LYST protein (p.Ile1048Leu).

NM_000081.4(LYST):c.3142A>T (p.Ile1048Leu)

Gene: LYST (lysosomal trafficking regulator; minus strand). Cytogenetic location: 1q42.3.
Variant type: single nucleotide variant.
Coding change: c.3142A>T on transcript NM_000081.4 (MANE Select); coding-DNA position 3142, A replaced by T.
Protein change: p.Ile1048Leu; replaces isoleucine 1048 with leucine.
Molecular consequence: missense variant.
Genome position (GRCh38, 1-based): chr1:235,805,994, T>A on the plus strand (A>T on the coding strand, the complement: LYST is on the minus strand). VCF-style: chr1-235805994-T-A. GRCh37 (hg19) VCF-style: chr1-235969294-T-A.
Other names: c.3142A>T, p.Ile1048Leu (NM_001301365.1); short protein forms I1048L.
Identifiers: ClinVar variation 1713780 (VCV001713780.5), dbSNP rs1365257848, ClinGen allele CA344953251.